The following is an entry in ClinVar:

NM_001164665.2(KIAA1549):c.3029C>G (p.Ala1010Gly)

Gene: KIAA1549 (KIAA1549; minus strand). Cytogenetic location: 7q34.
Variant type: single nucleotide variant.
Coding change: c.3029C>G on transcript NM_001164665.2 (MANE Select); coding-DNA position 3029, C replaced by G.
Protein change: p.Ala1010Gly; replaces alanine 1010 with glycine.
Molecular consequence: missense variant.
Genome position (GRCh38, 1-based): chr7:138,911,262, G>C on the plus strand (C>G on the coding strand, the complement: KIAA1549 is on the minus strand). VCF-style: chr7-138911262-G-C. GRCh37 (hg19) VCF-style: chr7-138596008-G-C.
Other names: c.3029C>G, p.Ala1010Gly (NM_020910.3); short protein forms A1010G.
Identifiers: ClinVar variation 1935109 (VCV001935109.3), dbSNP rs760771587, ClinGen allele CA4506333.

ClinVar aggregate classification (germline): Uncertain significance (1 of 4 stars; one submission).

Allele frequency attached by ClinVar (database versions not stated): ExAC 0.00001; gnomAD 0.00001; gnomAD exomes 0.00001; TOPMed 0.00001.
gnomAD v4.1: 20 of 1,604,174 alleles (0.0012%); highest among the groups gnomAD compares: Non-Finnish European, 0.0016%; no homozygotes.

Submission:

Labcorp Genetics (formerly Invitae), Labcorp
Classification: Uncertain significance. Last evaluated: 2022-04-27. Review status: criteria provided, single submitter. Criteria: Invitae Variant Classification Sherloc (09022015). Collection method: clinical testing. Allele origin: germline.
Comment: In summary, the available evidence is currently insufficient to determine the role of this variant in disease. Therefore, it has been classified as a Variant of Uncertain Significance. Algorithms developed to predict the effect of missense changes on protein structure and function are either unavailable or do not agree on the potential impact of this missense change (SIFT: "Deleterious"; PolyPhen-2: "Probably Damaging"; Align-GVGD: "Class C0"). This sequence change replaces alanine, which is neutral and non-polar, with glycine, which is neutral and non-polar, at codon 1010 of the KIAA1549 protein (p.Ala1010Gly). This variant is present in population databases (rs760771587, gnomAD 0.004%). This variant has not been reported in the literature in individuals affected with KIAA1549-related conditions.